The following is an entry in ClinVar:

ClinVar aggregate classification (germline): Likely benign. Review status: criteria provided, multiple submitters, no conflicts (2 of 4 stars). 2 submissions from 2 submitters: Likely benign (2). Last evaluated 2026-05-11.

Conditions:
MAP1B-related disorder. Also called: MAP1B-related condition.

gnomAD v4.1: 73 of 1,613,774 alleles (0.0045%); highest among the groups gnomAD compares: Non-Finnish European, 0.0058%; no homozygotes.

Submissions (2):

PreventionGenetics, part of Exact Sciences
Classification: Likely benign for MAP1B-related condition. Last evaluated: 2026-05-11. Review status: criteria provided, single submitter. Criteria: ACMG Guidelines, 2015. Collection method: clinical testing. Allele origin: germline.
Comment: This variant is classified as likely benign based on ACMG/AMP sequence variant interpretation guidelines (Richards et al. 2015 PMID: 25741868, with internal and published modifications).

CeGaT Center for Human Genetics Tuebingen
Classification: Likely benign. Last evaluated: 2025-11-01. Review status: criteria provided, single submitter. Criteria: CeGaT Center For Human Genetics Tuebingen Variant Classification Criteria Version 2. Collection method: clinical testing. Allele origin: germline. Affected: yes. Observed: 1 variant allele.
Comment: MAP1B: BP4, BP7

NM_005909.5(MAP1B):c.3147C>T (p.Val1049=)

Gene: MAP1B (microtubule associated protein 1B; plus strand). Cytogenetic location: 5q13.2.
Variant type: single nucleotide variant.
Coding change: c.3147C>T on transcript NM_005909.5 (MANE Select); coding-DNA position 3147, C replaced by T.
Protein change: p.Val1049=; no amino-acid change (valine 1049 retained).
Molecular consequence: synonymous variant.
Genome position (GRCh38, 1-based): chr5:72,196,502, C>T. VCF-style: chr5-72196502-C-T. GRCh37 (hg19) VCF-style: chr5-71492329-C-T.
Other names: c.2769C>T, p.Val923= (NM_001324255.2); c.3147C>T (NM_005909.4).
Identifiers: ClinVar variation 4533875 (VCV004533875.7).